The following is an entry in ClinVar:

NM_003924.4(PHOX2B):c.412A>G (p.Thr138Ala)

Gene: PHOX2B (paired like homeobox 2B; minus strand). Cytogenetic location: 4p13.
Variant type: single nucleotide variant.
Coding change: c.412A>G on transcript NM_003924.4 (MANE Select); coding-DNA position 412, A replaced by G.
Protein change: p.Thr138Ala; replaces threonine 138 with alanine.
Molecular consequence: missense variant.
Genome position (GRCh38, 1-based): chr4:41,747,366, T>C on the plus strand (A>G on the coding strand, the complement: PHOX2B is on the minus strand). VCF-style: chr4-41747366-T-C. GRCh37 (hg19) VCF-style: chr4-41749383-T-C.
Other names: short protein forms T138A.
Identifiers: ClinVar variation 3888500 (VCV003888500.1).

ClinVar aggregate classification (germline): Uncertain significance (1 of 4 stars; one submission).

Conditions:
Hereditary cancer-predisposing syndrome. Also called: Tumor predisposition; Neoplastic Syndromes, Hereditary; Hereditary Cancer Syndrome; Hereditary neoplastic syndrome. Identifiers: Orphanet 140162, MedGen C0027672, MeSH D009386, MONDO:0015356.

Submission:

Ambry Genetics
Classification: Uncertain significance for Hereditary cancer-predisposing syndrome. Last evaluated: 2025-02-23. Review status: criteria provided, single submitter. Criteria: Ambry Variant Classification Scheme 2023. Collection method: clinical testing. Allele origin: germline.
Comment: The p.T138A variant (also known as c.412A>G), located in coding exon 2 of the PHOX2B gene, results from an A to G substitution at nucleotide position 412. The threonine at codon 138 is replaced by alanine, an amino acid with similar properties. This amino acid position is conserved. In addition, this alteration is predicted to be deleterious by in silico analysis. Based on the available evidence, the clinical significance of this variant remains unclear.